The following is an entry in ClinVar:

NM_004519.4(KCNQ3):c.*396A>G

Gene: KCNQ3 (potassium voltage-gated channel subfamily Q member 3; minus strand). Cytogenetic location: 8q24.22.
Variant type: single nucleotide variant.
Coding change: c.*396A>G on transcript NM_004519.4 (MANE Select); 396 bases downstream of the stop codon, A replaced by G.
Molecular consequence: 3 prime UTR variant.
Genome position (GRCh38, 1-based): chr8:132,128,866, T>C on the plus strand (A>G on the coding strand, the complement: KCNQ3 is on the minus strand). VCF-style: chr8-132128866-T-C. GRCh37 (hg19) VCF-style: chr8-133141113-T-C.
Other names: c.*396A>G (NM_001204824.2).
Identifiers: ClinVar variation 361871 (VCV000361871.7), dbSNP rs78243592, ClinGen allele CA10624801.

ClinVar aggregate classification (germline): Benign. Review status: criteria provided, multiple submitters, no conflicts (2 of 4 stars). 2 submissions from 2 submitters: Benign (2). Last evaluated 2018-01-12.

Conditions:
Seizures, benign familial neonatal, 2. Also called: CONVULSIONS, BENIGN FAMILIAL NEONATAL, 2; KCNQ3-Related Self-Limited Familial Neonatal Epilepsy (SLFNE); Benign Neonatal Epilepsy 2; KCNQ3-Related Benign Familial Neonatal Epilepsy; Seizures, benign neonatal, 2. Identifiers: Orphanet 1949, MedGen C1852581, MONDO:0007366, OMIM 121201.

Allele frequency attached by ClinVar (database versions not stated): gnomAD 0.05729 and 0.05555; gnomAD exomes 0.05331; 1000 Genomes Project 0.02875; 1000 Genomes Project 30x 0.02983; TOPMed 0.05078.
gnomAD v4.1: 11,786 of 215,522 alleles (5.5%); highest among the groups gnomAD compares: Non-Finnish European, 7.5%; 410 homozygotes.

Submissions (2):

Illumina Laboratory Services, Illumina
Classification: Benign for Seizures, benign familial neonatal, 2. Last evaluated: 2018-01-12. Review status: criteria provided, single submitter. Criteria: ICSL Variant Classification Criteria 13 December 2019. Collection method: clinical testing. Allele origin: germline.
Comment: This variant was observed in the ICSL laboratory as part of a predisposition screen in an ostensibly healthy population. It had not been previously curated by ICSL or reported in the Human Gene Mutation Database (HGMD: prior to June 1st, 2018), and was therefore a candidate for classification through an automated scoring system. Utilizing variant allele frequency, disease prevalence and penetrance estimates, and inheritance mode, an automated score was calculated to assess if this variant is too frequent to cause the disease. Based on the score and internal cut-off values, a variant classified as benign is not then subjected to further curation. The score for this variant resulted in a classification of benign for this disease.

Breakthrough Genomics
Classification: Benign. Review status: criteria provided, single submitter. Criteria: ACMG Guidelines, 2015. Collection method: not provided. Allele origin: germline. Inheritance: Autosomal dominant inheritance. Affected: yes.